The following is an entry in ClinVar:

NM_000059.4(BRCA2):c.3371A>C (p.Gln1124Pro)

Gene: BRCA2 (BRCA2 DNA repair associated; plus strand). Cytogenetic location: 13q13.1.
Variant type: single nucleotide variant.
Coding change: c.3371A>C on transcript NM_000059.4 (MANE Select); coding-DNA position 3371, A replaced by C.
Protein change: p.Gln1124Pro; replaces glutamine 1124 with proline.
Molecular consequence: missense variant.
Genome position (GRCh38, 1-based): chr13:32,337,726, A>C. VCF-style: chr13-32337726-A-C. GRCh37 (hg19) VCF-style: chr13-32911863-A-C.
Other names: c.3371A>C, p.Gln1124Pro (NM_001406719.1, NM_001406720.1); short protein forms Q1124P.
Identifiers: ClinVar variation 2137472 (VCV002137472.6), dbSNP rs1555283204, ClinGen allele CA387776401.

ClinVar aggregate classification (germline): Conflicting classifications of pathogenicity. Review status: criteria provided, conflicting classifications (1 of 4 stars). 2 submissions from 2 submitters: Uncertain significance (1); Likely benign (1). Last evaluated 2023-03-23.

Conditions:
Hereditary cancer-predisposing syndrome. Also called: Neoplastic Syndromes, Hereditary; Hereditary Cancer Syndrome; Tumor predisposition; Hereditary neoplastic syndrome. Identifiers: Orphanet 140162, MedGen C0027672, MeSH D009386, MONDO:0015356.
Hereditary breast ovarian cancer syndrome. Also called: Hereditary breast and ovarian cancer; Hereditary breast and/or ovarian cancer syndrome; Breast and ovarian cancer; Hereditary breast and ovarian cancer syndrome; Hereditary breast and ovarian cancer syndrome (HBOC); BRCA1- and BRCA2-Associated Hereditary Breast and Ovarian Cancer. Identifiers: Orphanet 145, MedGen C0677776, MeSH D061325, MONDO:0003582. Disease mechanism: loss of function.

Allele frequency attached by ClinVar (database versions not stated): gnomAD exomes below 0.00001.
gnomAD v4.1: 1 of 1,613,400 alleles (0.000062%); highest among the groups gnomAD compares: Non-Finnish European, 0.000085%; no homozygotes.

Submissions (2):

University of Washington Department of Laboratory Medicine, University of Washington
Classification: Likely benign for Hereditary cancer-predisposing syndrome. Last evaluated: 2023-03-23. Review status: criteria provided, single submitter. Criteria: Dines et al. (Genet Med. 2020). Collection method: curation. Allele origin: germline.
Comment: Missense variant in a coldspot region where missense variants are very unlikely to be pathogenic (PMID:31911673).

BRCA2 exon 11 coldspot. Reclassification based on statistical prior probability.

Labcorp Genetics (formerly Invitae), Labcorp
Classification: Uncertain significance for Hereditary breast ovarian cancer syndrome. Last evaluated: 2022-04-24. Review status: criteria provided, single submitter. Criteria: Invitae Variant Classification Sherloc (09022015). Collection method: clinical testing. Allele origin: germline.
Comment: In summary, the available evidence is currently insufficient to determine the role of this variant in disease. Therefore, it has been classified as a Variant of Uncertain Significance. Advanced modeling of protein sequence and biophysical properties (such as structural, functional, and spatial information, amino acid conservation, physicochemical variation, residue mobility, and thermodynamic stability) performed at Invitae indicates that this missense variant is not expected to disrupt BRCA2 protein function. This missense change has been observed in individual(s) with clinical features of BRCA2-related conditions (PMID: 28324225). This variant is not present in population databases (gnomAD no frequency). This sequence change replaces glutamine, which is neutral and polar, with proline, which is neutral and non-polar, at codon 1124 of the BRCA2 protein (p.Gln1124Pro).

Literature cited by the submitters: PubMed 28324225 (cited by Labcorp Genetics (formerly Invitae), Labcorp).